The following is an entry in ClinVar:

NM_024675.4(PALB2):c.1396T>G (p.Ser466Ala)

Gene: PALB2 (partner and localizer of BRCA2; minus strand). Cytogenetic location: 16p12.2.
Variant type: single nucleotide variant.
Coding change: c.1396T>G on transcript NM_024675.4 (MANE Select); coding-DNA position 1396, T replaced by G.
Protein change: p.Ser466Ala; replaces serine 466 with alanine.
Molecular consequence: missense variant. On other transcripts: intron variant (3).
Genome position (GRCh38, 1-based): chr16:23,635,150, A>C on the plus strand (T>G on the coding strand, the complement: PALB2 is on the minus strand). VCF-style: chr16-23635150-A-C. GRCh37 (hg19) VCF-style: chr16-23646471-A-C.
Other names: c.1396T>G, p.Ser466Ala (NM_001407298.1, NM_001407299.1, NM_001407300.1 and 3 more transcripts); c.511T>G, p.Ser171Ala (NM_001407304.1, NM_001407305.1, NM_001407306.1 and 5 more transcripts); c.-104-4681T>G (NM_001407313.1, NM_001407312.1); c.49-5875T>G (NM_001407314.1); c.1336T>G, p.Ser446Ala (NM_001407296.1); short protein forms S171A, S446A, S466A.
Identifiers: ClinVar variation 2726695 (VCV002726695.3), dbSNP rs1966971889, ClinGen allele CA395131352.

ClinVar aggregate classification (germline): Uncertain significance (1 of 4 stars; one submission).

Conditions:
Familial cancer of breast. Also called: hereditary breast carcinoma; BREAST CANCER, FAMILIAL; Hereditary breast cancer. Identifiers: Orphanet 227535, MedGen C0346153, MONDO:0016419, OMIM 114480. Disease mechanism: loss of function.

Allele frequency attached by ClinVar (database versions not stated): gnomAD 0.00001.
gnomAD v4.1: 1 of 1,614,080 alleles (0.000062%); highest among the groups gnomAD compares: Admixed American, 0.0017%; no homozygotes.

Submission:

Labcorp Genetics (formerly Invitae), Labcorp
Classification: Uncertain significance for Familial cancer of breast. Last evaluated: 2023-06-25. Review status: criteria provided, single submitter. Criteria: Invitae Variant Classification Sherloc (09022015). Collection method: clinical testing. Allele origin: germline.
Comment: In summary, the available evidence is currently insufficient to determine the role of this variant in disease. Therefore, it has been classified as a Variant of Uncertain Significance. Advanced modeling of protein sequence and biophysical properties (such as structural, functional, and spatial information, amino acid conservation, physicochemical variation, residue mobility, and thermodynamic stability) performed at Invitae indicates that this missense variant is not expected to disrupt PALB2 protein function. This variant has not been reported in the literature in individuals affected with PALB2-related conditions. This variant is not present in population databases (gnomAD no frequency). This sequence change replaces serine, which is neutral and polar, with alanine, which is neutral and non-polar, at codon 466 of the PALB2 protein (p.Ser466Ala).